The following is an entry in ClinVar:

NM_030777.4(SLC2A10):c.1001A>G (p.Asn334Ser)

Gene: SLC2A10 (solute carrier family 2 member 10; plus strand). Cytogenetic location: 20q13.12.
Variant type: single nucleotide variant.
Coding change: c.1001A>G on transcript NM_030777.4 (MANE Select); coding-DNA position 1001, A replaced by G.
Protein change: p.Asn334Ser; replaces asparagine 334 with serine.
Molecular consequence: missense variant.
Genome position (GRCh38, 1-based): chr20:46,726,037, A>G. VCF-style: chr20-46726037-A-G. GRCh37 (hg19) VCF-style: chr20-45354676-A-G.
Other names: short protein forms N334S.
Identifiers: ClinVar variation 4803467 (VCV004803467.1).
Genomic context (GRCh38, chr20:46,726,037, plus strand): 5'-TAGGCCTCGTCAGCTTTGCCGTGCCCATGGACTCAGGCCCAAGCTGTCTGGCTGTGCCCA[A>G]TGCCACCGGGCAGACAGGCCTCCCTGGAGACTCTGGCCTGCTGCAGGACTCCTCTCTACC-3'
Protein context (NP_110404.1, residues 324-344): DSGPSCLAVP[Asn334Ser]ATGQTGLPGD

ClinVar aggregate classification (germline): Uncertain significance (1 of 4 stars; one submission).

Conditions:
Arterial tortuosity syndrome (ATORS). Identifiers: Orphanet 3342, MedGen C1859726, MONDO:0008818, OMIM 208050.

gnomAD v4.1: 9 of 1,614,040 alleles (0.00056%); highest among the groups gnomAD compares: Middle Eastern, 0.033%; no homozygotes.

Submission:

Labcorp Genetics (formerly Invitae), Labcorp
Classification: Uncertain significance for Arterial tortuosity syndrome. Last evaluated: 2025-05-12. Review status: criteria provided, single submitter. Criteria: Invitae Variant Classification Sherloc (09022015). Collection method: clinical testing. Allele origin: germline.
Comment: This sequence change replaces asparagine, which is neutral and polar, with serine, which is neutral and polar, at codon 334 of the SLC2A10 protein (p.Asn334Ser). This variant is present in population databases (rs770142771, gnomAD 0.002%). This variant has not been reported in the literature in individuals affected with SLC2A10-related conditions. Invitae Evidence Modeling of protein sequence and biophysical properties (such as structural, functional, and spatial information, amino acid conservation, physicochemical variation, residue mobility, and thermodynamic stability) indicates that this missense variant is not expected to disrupt SLC2A10 protein function with a negative predictive value of 95%. In summary, the available evidence is currently insufficient to determine the role of this variant in disease. Therefore, it has been classified as a Variant of Uncertain Significance.